The following is an entry in ClinVar:

ClinVar aggregate classification (germline): Uncertain significance (1 of 4 stars; one submission).

Submission:

CeGaT Center for Human Genetics Tuebingen
Classification: Uncertain significance. Last evaluated: 2024-10-01. Review status: criteria provided, single submitter. Criteria: CeGaT Center For Human Genetics Tuebingen Variant Classification Criteria Version 2. Collection method: clinical testing. Allele origin: germline. Affected: yes. Observed: 1 variant allele.
Comment: FUZ: PM2

NM_025129.5(FUZ):c.64C>T (p.Pro22Ser)

Gene: FUZ (fuzzy planar cell polarity protein; minus strand). Cytogenetic location: 19q13.33.
Variant type: single nucleotide variant.
Coding change: c.64C>T on transcript NM_025129.5 (MANE Select); coding-DNA position 64, C replaced by T.
Protein change: p.Pro22Ser; replaces proline 22 with serine.
Molecular consequence: missense variant. On other transcripts: non-coding transcript variant (1), intron variant (1).
Genome position (GRCh38, 1-based): chr19:49,813,043, G>A on the plus strand (C>T on the coding strand, the complement: FUZ is on the minus strand). VCF-style: chr19-49813043-G-A. GRCh37 (hg19) VCF-style: chr19-50316300-G-A.
Other names: c.64C>T, p.Pro22Ser (NM_001171937.2, NM_001352262.2); c.-40+90C>T (NM_001363663.1); short protein forms P22S.
Identifiers: ClinVar variation 3389960 (VCV003389960.14).
Genomic context (GRCh38, chr19:49,813,043, plus strand): 5'-TCCAAGGCCCCACCTGCTGACGGGCGGGGGCGCCGCCGCGACTGCTCCTGCAGAATAGGG[G>A]GACCCCGCTGGAGGCCGCGAGGCACAGCAGATGCACAGTGCCGCCCGTCCCCTCCTCCCC-3'
Protein context (NP_079405.2, residues 12-32): LLCLAASSGV[Pro22Ser]LFCRSSRGGA